The following is an entry in ClinVar:

ClinVar aggregate classification (germline): Uncertain significance (1 of 4 stars; one submission).

Submission:

GeneDx
Classification: Uncertain significance. Last evaluated: 2019-08-05. Review status: criteria provided, single submitter. Criteria: GeneDx Variant Classification Process June 2021. Collection method: clinical testing. Allele origin: germline. Affected: yes.
Comment: Not observed in large population cohorts (Lek et al., 2016); Missense variants in this gene are often considered pathogenic (Stenson et al., 2014); In silico analysis, which includes protein predictors and evolutionary conservation, supports that this variant does not alter protein structure/function; Has not been previously published as pathogenic or benign to our knowledge

NM_178012.5(TUBB2B):c.202C>G (p.Leu68Val)

Gene: TUBB2B (tubulin beta 2B class IIb; minus strand). Cytogenetic location: 6p25.2.
Variant type: single nucleotide variant.
Coding change: c.202C>G on transcript NM_178012.5 (MANE Select); coding-DNA position 202, C replaced by G.
Protein change: p.Leu68Val; replaces leucine 68 with valine.
Molecular consequence: missense variant.
Genome position (GRCh38, 1-based): chr6:3,226,234, G>C on the plus strand (C>G on the coding strand, the complement: TUBB2B is on the minus strand). VCF-style: chr6-3226234-G-C. GRCh37 (hg19) VCF-style: chr6-3226468-G-C.
Other names: short protein forms L68V.
Identifiers: ClinVar variation 1307253 (VCV001307253.2), dbSNP rs2113819569, ClinGen allele CA362589709.
Genomic context (GRCh38, chr6:3,226,234, plus strand): 5'-CTGGTCTGAAGATCTGGCCGAATGGTCCAGACCTAACCGAATCCATCGTGCCTGGCTCCA[G>C]ATCCACGAGGATGGCCCGAGGAACATATTTGTTACCTGCAAGGAACAACAGTGACTTAGA-3'
Protein context (NP_821080.1, residues 58-78): KYVPRAILVD[Leu68Val]EPGTMDSVRS